The following is an entry in ClinVar:

ClinVar aggregate classification (germline): Uncertain significance. Review status: criteria provided, multiple submitters, no conflicts (2 of 4 stars). 2 submissions from 2 submitters: Uncertain significance (2). Last evaluated 2025-06-22.

Conditions:
Singleton-Merten syndrome 1 (SGMRT1). Also called: Widened medullary cavities of bone, aortic calcification, abnormal dentition, and muscular weakness; Syndrome of widened medullary cavities of the metacarpals and phalanges, aortic calcification and abnormal dentition. Identifiers: Orphanet 85191, MedGen C4225427, MONDO:0024535, OMIM 182250.
Aicardi-Goutieres syndrome 7 (AGS7). Identifiers: Orphanet 51, MedGen C3888244, MONDO:0014367, OMIM 615846.
Inborn genetic diseases. Identifiers: MedGen C0950123, MeSH D030342.

gnomAD v4.1: 35 of 1,611,676 alleles (0.0022%); highest among the groups gnomAD compares: East Asian, 0.071%; no homozygotes.

Submissions (2):

Labcorp Genetics (formerly Invitae), Labcorp
Classification: Uncertain significance for Aicardi-Goutieres syndrome 7; Singleton-Merten syndrome 1. Last evaluated: 2025-06-22. Review status: criteria provided, single submitter. Criteria: Invitae Variant Classification Sherloc (09022015). Collection method: clinical testing. Allele origin: germline.
Comment: This sequence change replaces glutamic acid, which is acidic and polar, with aspartic acid, which is acidic and polar, at codon 867 of the IFIH1 protein (p.Glu867Asp). This variant is present in population databases (rs764489663, gnomAD 0.05%). This variant has not been reported in the literature in individuals affected with IFIH1-related conditions. ClinVar contains an entry for this variant (Variation ID: 1442944). Invitae Evidence Modeling incorporating data from in vitro experimental studies (internal data) indicates that this missense variant is not expected to disrupt IFIH1 function with a negative predictive value of 80%. In summary, the available evidence is currently insufficient to determine the role of this variant in disease. Therefore, it has been classified as a Variant of Uncertain Significance.

Ambry Genetics
Classification: Uncertain significance for Inborn genetic diseases. Last evaluated: 2024-01-12. Review status: criteria provided, single submitter. Criteria: Ambry Variant Classification Scheme 2023. Collection method: clinical testing. Allele origin: germline.

NM_022168.4(IFIH1):c.2601G>C (p.Glu867Asp)

Gene: IFIH1 (interferon induced with helicase C domain 1; minus strand). Cytogenetic location: 2q24.2.
Variant type: single nucleotide variant.
Coding change: c.2601G>C on transcript NM_022168.4 (MANE Select); coding-DNA position 2601, G replaced by C.
Protein change: p.Glu867Asp; replaces glutamic acid 867 with aspartic acid.
Molecular consequence: missense variant.
Genome position (GRCh38, 1-based): chr2:162,272,241, C>G on the plus strand (G>C on the coding strand, the complement: IFIH1 is on the minus strand). VCF-style: chr2-162272241-C-G. GRCh37 (hg19) VCF-style: chr2-163128751-C-G.
Other names: c.2601G>C (NM_022168.2); short protein forms E867D.
Identifiers: ClinVar variation 1442944 (VCV001442944.7), dbSNP rs764489663, ClinGen allele CA1934136.